The following is an entry in ClinVar:

ClinVar aggregate classification (germline): Uncertain significance (1 of 4 stars; one submission).

gnomAD v4.1: 1 of 1,614,180 alleles (0.000062%); highest among the groups gnomAD compares: African/African-American, 0.0013%; no homozygotes.

Submission:

GeneDx
Classification: Uncertain significance. Last evaluated: 2024-05-02. Review status: criteria provided, single submitter. Criteria: GeneDx Variant Classification Process June 2021. Collection method: clinical testing. Allele origin: germline. Affected: yes.
Comment: Not observed at significant frequency in large population cohorts (gnomAD); In silico analysis indicates that this missense variant does not alter protein structure/function; Has not been previously published as pathogenic or benign to our knowledge

NM_016333.4(SRRM2):c.5849C>G (p.Thr1950Ser)

Gene: SRRM2 (serine/arginine repetitive matrix 2; plus strand). Cytogenetic location: 16p13.3.
Variant type: single nucleotide variant.
Coding change: c.5849C>G on transcript NM_016333.4 (MANE Select); coding-DNA position 5849, C replaced by G.
Protein change: p.Thr1950Ser; replaces threonine 1950 with serine.
Molecular consequence: missense variant.
Genome position (GRCh38, 1-based): chr16:2,766,377, C>G. VCF-style: chr16-2766377-C-G. GRCh37 (hg19) VCF-style: chr16-2816378-C-G.
Other names: short protein forms T1950S.
Identifiers: ClinVar variation 3375990 (VCV003375990.1).
Genomic context (GRCh38, chr16:2,766,377, plus strand): 5'-TAACCCGCCGTCGTTCAAGGTCTAGAACGCCAACAACACGCCGCCGCTCCCGTTCTAGAA[C>G]TCCACCAGTGACTCGCAGAAGGTCCAGATCCAGGACTCCACCAGTAACCAGGAGGCGATC-3'
Protein context (NP_057417.3, residues 1940-1960): PTTRRRSRSR[Thr1950Ser]PPVTRRRSRS